The following is an entry in ClinVar:

NM_032578.4(MYPN):c.2048C>T (p.Ser683Leu)

Gene: MYPN (myopalladin; plus strand). Cytogenetic location: 10q21.3.
Variant type: single nucleotide variant.
Coding change: c.2048C>T on transcript NM_032578.4 (MANE Select); coding-DNA position 2048, C replaced by T.
Protein change: p.Ser683Leu; replaces serine 683 with leucine.
Molecular consequence: missense variant. On other transcripts: non-coding transcript variant (2).
Genome position (GRCh38, 1-based): chr10:68,174,140, C>T. VCF-style: chr10-68174140-C-T. GRCh37 (hg19) VCF-style: chr10-69933897-C-T.
Other names: c.2048C>T, p.Ser683Leu (NM_001256267.2); c.1166C>T, p.Ser389Leu (NM_001256268.2); short protein forms S389L, S683L.
Identifiers: ClinVar variation 872699 (VCV000872699.17), dbSNP rs1278724548, ClinGen allele CA376844137.

ClinVar aggregate classification (germline): Uncertain significance (1 of 4 stars; one submission).

Conditions:
Dilated cardiomyopathy 1KK (CMD1KK). Identifiers: Orphanet 154, Orphanet 75249, MedGen C3714995, MONDO:0014100, OMIM 615248.

Submission:

Labcorp Genetics (formerly Invitae), Labcorp
Classification: Uncertain significance for Dilated cardiomyopathy 1KK. Last evaluated: 2019-07-15. Review status: criteria provided, single submitter. Criteria: Invitae Variant Classification Sherloc (09022015). Collection method: clinical testing. Allele origin: germline.
Comment: In summary, the available evidence is currently insufficient to determine the role of this variant in disease. Therefore, it has been classified as a Variant of Uncertain Significance. Algorithms developed to predict the effect of missense changes on protein structure and function (SIFT, PolyPhen-2, Align-GVGD) all suggest that this variant is likely to be tolerated, but these predictions have not been confirmed by published functional studies and their clinical significance is uncertain. This variant has not been reported in the literature in individuals with MYPN-related conditions. This variant is not present in population databases (ExAC no frequency). This sequence change replaces serine with leucine at codon 683 of the MYPN protein (p.Ser683Leu). The serine residue is moderately conserved and there is a large physicochemical difference between serine and leucine.